The following is an entry in ClinVar:

ClinVar aggregate classification (germline): Uncertain significance. Review status: criteria provided, multiple submitters, no conflicts (2 of 4 stars). 5 submissions from 5 submitters: Uncertain significance (5). Last evaluated 2025-07-15.

Conditions:
Inborn genetic diseases. Identifiers: MedGen C0950123, MeSH D030342.
Very long chain acyl-CoA dehydrogenase deficiency (ACADVLD). Also called: VLCAD Deficiency; Very Long-Chain Acyl-Coenzyme A Dehydrogenase Deficiency. Identifiers: Orphanet 26793, MedGen C3887523, MONDO:0008723, OMIM 201475.

Allele frequency attached by ClinVar (database versions not stated): gnomAD exomes 0.00001.
gnomAD v4.1: 6 of 1,614,094 alleles (0.00037%); highest among the groups gnomAD compares: Non-Finnish European, 0.00051%; no homozygotes.

Submissions (5):

Ambry Genetics
Classification: Uncertain significance for Inborn genetic diseases. Last evaluated: 2025-07-15. Review status: criteria provided, single submitter. Criteria: Ambry Variant Classification Scheme 2023. Collection method: clinical testing. Allele origin: germline.

Revvity Omics, Revvity
Classification: Uncertain significance for Very long chain acyl-CoA dehydrogenase deficiency. Last evaluated: 2025-03-24. Review status: criteria provided, single submitter. Criteria: ACMG Guidelines, 2015. Collection method: clinical testing. Allele origin: germline.

Labcorp Genetics (formerly Invitae), Labcorp
Classification: Uncertain significance for Very long chain acyl-CoA dehydrogenase deficiency. Last evaluated: 2023-07-19. Review status: criteria provided, single submitter. Criteria: Invitae Variant Classification Sherloc (09022015). Collection method: clinical testing. Allele origin: germline.
Comment: In summary, the available evidence is currently insufficient to determine the role of this variant in disease. Therefore, it has been classified as a Variant of Uncertain Significance. Algorithms developed to predict the effect of missense changes on protein structure and function (SIFT, PolyPhen-2, Align-GVGD) all suggest that this variant is likely to be disruptive. ClinVar contains an entry for this variant (Variation ID: 811126). This variant has not been reported in the literature in individuals affected with ACADVL-related conditions. This sequence change replaces phenylalanine, which is neutral and non-polar, with serine, which is neutral and polar, at codon 262 of the ACADVL protein (p.Phe262Ser).

Wong Mito Lab, Molecular and Human Genetics, Baylor College of Medicine
Classification: Uncertain significance for Very long chain acyl-CoA dehydrogenase deficiency. Last evaluated: 2019-11-01. Review status: criteria provided, single submitter. Criteria: ACMG Guidelines, 2015. Collection method: clinical testing. Allele origin: germline.
Comment: The NM_000018.3:c.785T>C (NP_000009.1:p.Phe262Ser) [GRCH38: NC_000017.11:g.7222209T>C] variant in ACADVL gene is interpretated to be Uncertain Significance based on ACMG guidelines (PMID: 25741868). This variant has been reported. This variant meets the following evidence codes reported in the ACMG guidelines: PM1, PP3

ARUP Laboratories, Molecular Genetics and Genomics, ARUP Laboratories
Classification: Uncertain significance for Very long chain acyl-CoA dehydrogenase deficiency. Last evaluated: 2018-09-04. Review status: criteria provided, single submitter. Criteria: ARUP Molecular Germline Variant Investigation Process. Collection method: clinical testing. Allele origin: germline.
Comment: The ACADVL c.785T>C; p.Phe262Ser variant, to our knowledge, is not reported in the medical literature or gene specific databases. This variant is also absent from general population databases (1000 Genomes Project, Exome Variant Server, and Genome Aggregation Database), indicating it is not a common polymorphism. The phenylalanine at codon 262 is highly conserved, and computational analyses (SIFT, PolyPhen-2) predict that this variant is deleterious. However, given the lack of clinical and functional data, the significance of the p.Phe262Ser variant is uncertain at this time.

NM_000018.4(ACADVL):c.785T>C (p.Phe262Ser)

Gene: ACADVL (acyl-CoA dehydrogenase very long chain; plus strand). Cytogenetic location: 17p13.1.
Variant type: single nucleotide variant.
Coding change: c.785T>C on transcript NM_000018.4 (MANE Select); coding-DNA position 785, T replaced by C.
Protein change: p.Phe262Ser; replaces phenylalanine 262 with serine.
Molecular consequence: missense variant.
Genome position (GRCh38, 1-based): chr17:7,222,209, T>C. VCF-style: chr17-7222209-T-C. GRCh37 (hg19) VCF-style: chr17-7125528-T-C.
Other names: c.557T>C, p.Phe186Ser (NM_001270448.2); c.785T>C (NM_000018.2); c.719T>C, p.Phe240Ser (NM_001033859.3); c.854T>C, p.Phe285Ser (NM_001270447.2); short protein forms F186S, F240S, F262S, F285S.
Identifiers: ClinVar variation 811126 (VCV000811126.19), dbSNP rs1597528061, ClinGen allele CA397723686.